The following is an entry in ClinVar:

NM_001365276.2(TNXB):c.10583C>G (p.Pro3528Arg)

Gene: TNXB (tenascin XB; minus strand). Cytogenetic location: 6p21.33.
Variant type: single nucleotide variant.
Coding change: c.10583C>G on transcript NM_001365276.2 (MANE Select); coding-DNA position 10583, C replaced by G.
Protein change: p.Pro3528Arg; replaces proline 3528 with arginine.
Molecular consequence: missense variant.
Genome position (GRCh38, 1-based): chr6:32,046,198, G>C on the plus strand (C>G on the coding strand, the complement: TNXB is on the minus strand). VCF-style: chr6-32046198-G-C. GRCh37 (hg19) VCF-style: chr6-32013975-G-C.
Other names: c.10577C>G, p.Pro3526Arg (NM_019105.8); short protein forms P3528R, P3526R.
Identifiers: ClinVar variation 1778823 (VCV001778823.3), dbSNP rs201589523, ClinGen allele CA363527928.

ClinVar aggregate classification (germline): Uncertain significance (1 of 4 stars; one submission).

Conditions:
Cardiovascular phenotype. Identifiers: MedGen CN230736.

gnomAD v4.1: 1 of 1,588,456 alleles (0.000063%); highest among the groups gnomAD compares: Non-Finnish European, 0.000086%; no homozygotes.

Submission:

Ambry Genetics
Classification: Uncertain significance for Cardiovascular phenotype. Last evaluated: 2024-09-25. Review status: criteria provided, single submitter. Criteria: Ambry Variant Classification Scheme 2023. Collection method: clinical testing. Allele origin: germline.
Comment: The p.P3526R variant (also known as c.10577C>G), located in coding exon 30 of the TNXB gene, results from a C to G substitution at nucleotide position 10577. The proline at codon 3526 is replaced by arginine, an amino acid with dissimilar properties. This amino acid position is highly conserved in available vertebrate species. In addition, this alteration is predicted to be tolerated by BayesDel in silico analysis. Since supporting evidence is limited at this time, the clinical significance of this alteration remains unclear.